The following is an entry in ClinVar:

NM_000053.4(ATP7B):c.3243+173_3243+175del

Gene: ATP7B (ATPase copper transporting beta; minus strand). Cytogenetic location: 13q14.3.
Variant type: Deletion.
Coding change: c.3243+173_3243+175del on transcript NM_000053.4 (MANE Select); bases 173 to 175 of the intron after coding-DNA position 3243, 3 bases deleted (AGT; older notation c.3243+173_3243+175delAGT).
Molecular consequence: intron variant.
Genome position (GRCh38, 1-based): chr13:51,943,934-51,943,936, ACT deleted on the plus strand (AGT on the coding strand, the reverse complement: ATP7B is on the minus strand). VCF-style (leftmost placement, unchanged base first): chr13-51943933-AACT-A. GRCh37 (hg19) VCF-style: chr13-52518069-AACT-A.
Other names: c.2910+173_2910+175del (NM_001243182.2); c.2622+173_2622+175del (NM_001005918.3); c.2991+173_2991+175del (NM_001330579.2); c.3009+173_3009+175del (NM_001330578.2).
Identifiers: ClinVar variation 680934 (VCV000680934.1), dbSNP rs879462650, ClinGen allele CA250079790.
Genomic context (GRCh38, chr13:51,943,933, plus strand): 5'-TGGCGCCTGGTGATGTTCAGCAAATGCCTGTGACACTGAACTCCCTTTGTGATAACCTGG[AACT>A]GTGGCAAGGGCTGACTGTGAGCCCTATATCTCCGCCTGCTGCAGAAGGGCCCTCTAAGTG-3'

ClinVar aggregate classification (germline): Benign (1 of 4 stars; one submission).

Allele frequency attached by ClinVar (database versions not stated): gnomAD 0.03711 and 0.03921; 1000 Genomes Project 30x 0.04888.

Submission:

GeneDx
Classification: Benign. Last evaluated: 2018-06-19. Review status: criteria provided, single submitter. Criteria: GeneDx Variant Classification (06012015). Collection method: clinical testing. Allele origin: germline. Affected: yes.
Comment: This variant is considered likely benign or benign based on one or more of the following criteria: it is a conservative change, it occurs at a poorly conserved position in the protein, it is predicted to be benign by multiple in silico algorithms, and/or has population frequency not consistent with disease.